The following is an entry in ClinVar:

NM_021625.5(TRPV4):c.308C>T (p.Pro103Leu)

Gene: TRPV4 (transient receptor potential cation channel subfamily V member 4; minus strand). Cytogenetic location: 12q24.11.
Variant type: single nucleotide variant.
Coding change: c.308C>T on transcript NM_021625.5 (MANE Select); coding-DNA position 308, C replaced by T.
Protein change: p.Pro103Leu; replaces proline 103 with leucine.
Molecular consequence: missense variant.
Genome position (GRCh38, 1-based): chr12:109,814,489, G>A on the plus strand (C>T on the coding strand, the complement: TRPV4 is on the minus strand). VCF-style: chr12-109814489-G-A. GRCh37 (hg19) VCF-style: chr12-110252294-G-A.
Other names: c.206C>T, p.Pro69Leu (NM_001177431.2); c.308C>T, p.Pro103Leu (NM_001177433.2, NM_147204.3, NM_001177428.2); short protein forms P103L, P69L.
Identifiers: ClinVar variation 4706562 (VCV004706562.1).

ClinVar aggregate classification (germline): Uncertain significance (1 of 4 stars; one submission).

Conditions:
Charcot-Marie-Tooth disease axonal type 2C (HMSN2C). Also called: CHARCOT-MARIE-TOOTH DISEASE, AXONAL, AUTOSOMAL DOMINANT, TYPE 2C; Charcot-Marie-Tooth Neuropathy Type 2C; Charcot-Marie-Tooth Disease Type 2, TRPV4-Related (CMT2C). Identifiers: Orphanet 99937, MedGen C1853710, MONDO:0011633, OMIM 606071.

gnomAD v4.1: 21 of 1,613,988 alleles (0.0013%); highest among the groups gnomAD compares: Non-Finnish European, 0.0017%; no homozygotes.

Submission:

Labcorp Genetics (formerly Invitae), Labcorp
Classification: Uncertain significance for Charcot-Marie-Tooth disease axonal type 2C. Last evaluated: 2025-04-13. Review status: criteria provided, single submitter. Criteria: Invitae Variant Classification Sherloc (09022015). Collection method: clinical testing. Allele origin: germline.
Comment: This sequence change replaces proline, which is neutral and non-polar, with leucine, which is neutral and non-polar, at codon 103 of the TRPV4 protein (p.Pro103Leu). This variant is present in population databases (rs747858611, gnomAD 0.0009%). This variant has not been reported in the literature in individuals affected with TRPV4-related conditions. Invitae Evidence Modeling of protein sequence and biophysical properties (such as structural, functional, and spatial information, amino acid conservation, physicochemical variation, residue mobility, and thermodynamic stability) has been performed for this missense variant. However, the output from this modeling did not meet the statistical confidence thresholds required to predict the impact of this variant on TRPV4 protein function. In summary, the available evidence is currently insufficient to determine the role of this variant in disease. Therefore, it has been classified as a Variant of Uncertain Significance.